The following is an entry in ClinVar:

NM_015374.3(SUN2):c.1807G>A (p.Ala603Thr)

Genes: GTPBP1 (GTP binding protein 1; plus strand), SUN2 (Sad1 and UNC84 domain containing 2; minus strand). Cytogenetic location: 22q13.1.
Variant type: single nucleotide variant.
Coding change: c.1807G>A on transcript NM_015374.3 (MANE Select); coding-DNA position 1807, G replaced by A.
Protein change: p.Ala603Thr; replaces alanine 603 with threonine.
Molecular consequence: missense variant.
Genome position (GRCh38, 1-based): chr22:38,738,727, C>T on the plus strand (G>A on the coding strand, the complement: SUN2 is on the minus strand). VCF-style: chr22-38738727-C-T. GRCh37 (hg19) VCF-style: chr22-39134732-C-T.
Other names: c.1870G>A, p.Ala624Thr (NM_001199579.2); c.1807G>A, p.Ala603Thr (NM_001199580.2); short protein forms A603T, A624T.
Identifiers: ClinVar variation 1060243 (VCV001060243.9), dbSNP rs1384723835, ClinGen allele CA411583482.

ClinVar aggregate classification (germline): Uncertain significance (1 of 4 stars; one submission).

Conditions:
Emery-Dreifuss muscular dystrophy (EDMD). Also called: Scapuloperoneal syndrome, X-linked (formerly); Humeroperoneal neuromuscular disease, (formerly). Identifiers: Orphanet 261, MedGen C0410189, MONDO:0016830.

Allele frequency attached by ClinVar (database versions not stated): gnomAD exomes below 0.00001.
gnomAD v4.1: 1 of 1,613,578 alleles (0.000062%); highest among the groups gnomAD compares: Non-Finnish European, 0.000085%; no homozygotes.

Submission:

Labcorp Genetics (formerly Invitae), Labcorp
Classification: Uncertain significance for Emery-Dreifuss muscular dystrophy. Last evaluated: 2022-07-19. Review status: criteria provided, single submitter. Criteria: Invitae Variant Classification Sherloc (09022015). Collection method: clinical testing. Allele origin: germline.
Comment: In summary, the available evidence is currently insufficient to determine the role of this variant in disease. Therefore, it has been classified as a Variant of Uncertain Significance. Algorithms developed to predict the effect of missense changes on protein structure and function are either unavailable or do not agree on the potential impact of this missense change (SIFT: "Deleterious"; PolyPhen-2: "Probably Damaging"; Align-GVGD: "Class C0"). ClinVar contains an entry for this variant (Variation ID: 1060243). This variant has not been reported in the literature in individuals affected with SUN2-related conditions. This variant is present in population databases (no rsID available, gnomAD 0.0009%). This sequence change replaces alanine, which is neutral and non-polar, with threonine, which is neutral and polar, at codon 603 of the SUN2 protein (p.Ala603Thr).